The following is an entry in ClinVar:

NM_000264.5(PTCH1):c.3816C>A (p.Pro1272=)

Gene: PTCH1 (patched 1; minus strand). Cytogenetic location: 9q22.32.
Variant type: single nucleotide variant.
Coding change: c.3816C>A on transcript NM_000264.5 (MANE Select); coding-DNA position 3816, C replaced by A.
Protein change: p.Pro1272=; no amino-acid change (proline 1272 retained).
Molecular consequence: synonymous variant. On other transcripts: non-coding transcript variant (1).
Genome position (GRCh38, 1-based): chr9:95,447,440, G>T on the plus strand (C>A on the coding strand, the complement: PTCH1 is on the minus strand). VCF-style: chr9-95447440-G-T. GRCh37 (hg19) VCF-style: chr9-98209722-G-T.
Other names: c.3618C>A, p.Pro1206= (NM_001083602.3); c.3813C>A, p.Pro1271= (NM_001083603.3); c.3363C>A, p.Pro1121= (NM_001083604.3, NM_001083605.3, NM_001083606.3 and 1 more transcripts); c.3660C>A, p.Pro1220= (NM_001354918.2); c.3816C>A (NM_000264.4).
Identifiers: ClinVar variation 639603 (VCV000639603.13), dbSNP rs369295226, ClinGen allele CA466351859.

ClinVar aggregate classification (germline): Conflicting classifications of pathogenicity. Review status: criteria provided, conflicting classifications (1 of 4 stars). 4 submissions from 4 submitters: Uncertain significance (1); Likely benign (3). Last evaluated 2023-08-17.

Conditions:
Gorlin syndrome. Also called: Nevoid Basal Cell Carcinoma Syndrome; Basal cell nevus syndrome. Identifiers: Orphanet 377, MedGen C0004779, MONDO:0007187.
Hereditary cancer-predisposing syndrome. Also called: Tumor predisposition; Neoplastic Syndromes, Hereditary; Hereditary Cancer Syndrome; Hereditary neoplastic syndrome. Identifiers: Orphanet 140162, MedGen C0027672, MeSH D009386, MONDO:0015356.

Submissions (4):

Labcorp Genetics (formerly Invitae), Labcorp
Classification: Likely benign for Gorlin syndrome. Last evaluated: 2023-08-17. Review status: criteria provided, single submitter. Criteria: Invitae Variant Classification Sherloc (09022015). Collection method: clinical testing. Allele origin: germline.

Quest Diagnostics Nichols Institute San Juan Capistrano
Classification: Uncertain significance. Last evaluated: 2023-06-29. Review status: criteria provided, single submitter. Criteria: Quest Diagnostics criteria. Collection method: clinical testing. Allele origin: unknown.
Comment: To the best of our knowledge, this variant has not been reported in the published literature. The frequency of this variant in the general population, 0.0000044 (1/225100 chromosomes (Genome Aggregation Database)), is uninformative in the assessment of its pathogenicity. Analysis of this variant using software algorithms for the prediction of the effect of nucleotide changes on PTCH1 mRNA splicing yielded predictions that this variant may result in the gain of a cryptic splice site without affecting the natural splice sites . Based on the available information, we are unable to determine the clinical significance of this variant.

Blueprint Genetics
Classification: Likely benign. Last evaluated: 2023-05-11. Review status: criteria provided, single submitter. Criteria: ACMG Guidelines, 2015. Collection method: clinical testing. Allele origin: germline.

Ambry Genetics
Classification: Likely benign for Hereditary cancer-predisposing syndrome. Last evaluated: 2022-05-13. Review status: criteria provided, single submitter. Criteria: Ambry Variant Classification Scheme 2023. Collection method: clinical testing. Allele origin: germline.